The following is an entry in ClinVar:

ClinVar aggregate classification (germline): Uncertain significance (1 of 4 stars; one submission).

Conditions:
Spondyloepiphyseal dysplasia with congenital joint dislocations (SEDCJD). Also called: Chondrodysplasia with Congenital Joint Dislocations, CHST3-Related. Identifiers: Orphanet 263463, MedGen C1837657, MONDO:0007738, OMIM 143095.

Submission:

Labcorp Genetics (formerly Invitae), Labcorp
Classification: Uncertain significance for Spondyloepiphyseal dysplasia with congenital joint dislocations. Last evaluated: 2024-10-06. Review status: criteria provided, single submitter. Criteria: Invitae Variant Classification Sherloc (09022015). Collection method: clinical testing. Allele origin: germline.
Comment: This sequence change replaces leucine, which is neutral and non-polar, with valine, which is neutral and non-polar, at codon 52 of the CHST3 protein (p.Leu52Val). This variant is not present in population databases (gnomAD no frequency). This variant has not been reported in the literature in individuals affected with CHST3-related conditions. Invitae Evidence Modeling of protein sequence and biophysical properties (such as structural, functional, and spatial information, amino acid conservation, physicochemical variation, residue mobility, and thermodynamic stability) has been performed for this missense variant. However, the output from this modeling did not meet the statistical confidence thresholds required to predict the impact of this variant on CHST3 protein function. In summary, the available evidence is currently insufficient to determine the role of this variant in disease. Therefore, it has been classified as a Variant of Uncertain Significance.

NM_004273.5(CHST3):c.154C>G (p.Leu52Val)

Gene: CHST3 (carbohydrate sulfotransferase 3; plus strand). Cytogenetic location: 10q22.1.
Variant type: single nucleotide variant.
Coding change: c.154C>G on transcript NM_004273.5 (MANE Select); coding-DNA position 154, C replaced by G.
Protein change: p.Leu52Val; replaces leucine 52 with valine.
Molecular consequence: missense variant.
Genome position (GRCh38, 1-based): chr10:72,007,185, C>G. VCF-style: chr10-72007185-C-G. GRCh37 (hg19) VCF-style: chr10-73766943-C-G.
Other names: short protein forms L52V.
Identifiers: ClinVar variation 3701903 (VCV003701903.2).